The following is an entry in ClinVar:

ClinVar aggregate classification (germline): Pathogenic (1 of 4 stars; one submission).

Submission:

Labcorp Genetics (formerly Invitae), Labcorp
Classification: Pathogenic. Last evaluated: 2023-03-15. Review status: criteria provided, single submitter. Criteria: Invitae Variant Classification Sherloc (09022015). Collection method: clinical testing. Allele origin: germline.
Comment: For these reasons, this variant has been classified as Pathogenic. Algorithms developed to predict the effect of sequence changes on RNA splicing suggest that this variant may disrupt the consensus splice site. This variant has not been reported in the literature in individuals affected with SLCO2A1-related conditions. This variant is present in population databases (no rsID available, gnomAD no frequency). This sequence change creates a premature translational stop signal (p.Ser265*) in the SLCO2A1 gene. It is expected to result in an absent or disrupted protein product. Loss-of-function variants in SLCO2A1 are known to be pathogenic (PMID: 22553128, 23509104).

Literature cited by the submitters: PubMed 22553128; PubMed 23509104.

NM_005630.3(SLCO2A1):c.794del (p.Ser264_Ser265insTer)

Gene: SLCO2A1 (solute carrier organic anion transporter family member 2A1; minus strand). Cytogenetic location: 3q22.1.
Variant type: Deletion.
Coding change: c.794del on transcript NM_005630.3 (MANE Select); coding-DNA position 794, one base deleted (C; older notation c.794delC).
Protein change: p.Ser264_Ser265insTer.
Molecular consequence: nonsense.
Genome position (GRCh38, 1-based): chr3:133,951,275, G deleted on the plus strand (C on the coding strand, the reverse complement: SLCO2A1 is on the minus strand). VCF-style (leftmost placement, unchanged base first): chr3-133951274-TG-T. GRCh37 (hg19) VCF-style: chr3-133670118-TG-T.
Identifiers: ClinVar variation 3016178 (VCV003016178.3), dbSNP rs1336014764, ClinGen allele CA546298279.